The following is an entry in ClinVar:

ClinVar aggregate classification (germline): Uncertain significance. Review status: criteria provided, multiple submitters, no conflicts (2 of 4 stars). 2 submissions from 2 submitters: Uncertain significance (2). Last evaluated 2019-05-20.

Conditions:
Catecholaminergic polymorphic ventricular tachycardia 1. Also called: RYR2-Related Catecholaminergic Polymorphic Ventricular Tachycardia; VENTRICULAR TACHYCARDIA, CATECHOLAMINERGIC POLYMORPHIC, 1, WITH OR WITHOUT ATRIAL DYSFUNCTION AND/OR DILATED CARDIOMYOPATHY; VENTRICULAR TACHYCARDIA, STRESS-INDUCED POLYMORPHIC 1. Identifiers: Orphanet 3286, MedGen C1631597, MONDO:0011484, OMIM 604772.
Cardiomyopathy (CMYO). Also called: Cardiomyopathies. Identifiers: Orphanet 167848, MedGen C0878544, MONDO:0004994, HP:0001638. Inheritance: Various modes of inheritance.

gnomAD v4.1: 1 of 1,548,554 alleles (0.000065%); highest among the groups gnomAD compares: Non-Finnish European, 0.000089%; no homozygotes.

Submissions (2):

Color Diagnostics, LLC DBA Color Health
Classification: Uncertain significance for Cardiomyopathy. Last evaluated: 2019-05-20. Review status: criteria provided, single submitter. Criteria: ACMG Guidelines, 2015. Collection method: clinical testing. Allele origin: germline.
Comment: This missense variant replaces alanine with threonine at codon 3645 of the RYR2 protein. Computational prediction tools and conservation analyses are inconclusive regarding the impact of this variant on the protein function. Computational splicing tools suggest that this variant may not impact RNA splicing. To our knowledge, functional assays have not been performed for this variant nor has this variant been reported in individuals affected with cardiovascular disorders in the literature. This variant has not been identified in the general population by the Genome Aggregation Database (gnomAD). Available evidence is insufficient to determine the role of this variant in disease conclusively. Therefore, this variant is classified as a Variant of Uncertain Significance.

Labcorp Genetics (formerly Invitae), Labcorp
Classification: Uncertain significance for Catecholaminergic polymorphic ventricular tachycardia 1. Last evaluated: 2018-05-18. Review status: criteria provided, single submitter. Criteria: Invitae Variant Classification Sherloc (09022015). Collection method: clinical testing. Allele origin: germline.
Comment: In summary, the available evidence is currently insufficient to determine the role of this variant in disease. Therefore, it has been classified as a Variant of Uncertain Significance. Algorithms developed to predict the effect of missense changes on protein structure and function (SIFT, PolyPhen-2, Align-GVGD) all suggest that this variant is likely to be tolerated, but these predictions have not been confirmed by published functional studies and their clinical significance is uncertain. This variant has not been reported in the literature in individuals with RYR2-related disease. This variant is not present in population databases (ExAC no frequency). This sequence change replaces alanine with threonine at codon 3645 of the RYR2 protein (p.Ala3645Thr). The alanine residue is highly conserved and there is a small physicochemical difference between alanine and threonine.

NM_001035.3(RYR2):c.10933G>A (p.Ala3645Thr)

Gene: RYR2 (ryanodine receptor 2; plus strand). Cytogenetic location: 1q43.
Variant type: single nucleotide variant.
Coding change: c.10933G>A on transcript NM_001035.3 (MANE Select); coding-DNA position 10933, G replaced by A.
Protein change: p.Ala3645Thr; replaces alanine 3645 with threonine.
Molecular consequence: missense variant.
Genome position (GRCh38, 1-based): chr1:237,730,354, G>A. VCF-style: chr1-237730354-G-A. GRCh37 (hg19) VCF-style: chr1-237893654-G-A.
Other names: c.10933G>A, p.Ala3645Thr (LRG_402t1); short protein forms A3645T.
Identifiers: ClinVar variation 570293 (VCV000570293.13), dbSNP rs1558304228, ClinGen allele CA345417963.